The following is an entry in ClinVar:

ClinVar aggregate classification (germline): Uncertain significance (1 of 4 stars; one submission).

Conditions:
Orthostatic hypotension 1 (ORTHYP1). Also called: Orthostatic hypotension 1, due to DBH deficiency; Dopamine beta-hydroxylase deficiency; NORADRENALINE DEFICIENCY; NOREPINEPHRINE DEFICIENCY. Identifiers: Orphanet 230, MedGen C4746777, MONDO:0009123, OMIM 223360.

Allele frequency attached by ClinVar (database versions not stated): TOPMed below 0.00001; gnomAD exomes 0.00001; ExAC 0.00002.
gnomAD v4.1: 3 of 1,614,148 alleles (0.00019%); highest among the groups gnomAD compares: East Asian, 0.0022%; no homozygotes.

Submission:

Labcorp Genetics (formerly Invitae), Labcorp
Classification: Uncertain significance for Orthostatic hypotension 1. Last evaluated: 2021-09-03. Review status: criteria provided, single submitter. Criteria: Invitae Variant Classification Sherloc (09022015). Collection method: clinical testing. Allele origin: germline.
Comment: This sequence change replaces threonine with isoleucine at codon 213 of the DBH protein (p.Thr213Ile). The threonine residue is moderately conserved and there is a moderate physicochemical difference between threonine and isoleucine. This variant is present in population databases (rs769469848, ExAC 0.003%). This variant has not been reported in the literature in individuals affected with DBH-related conditions. Algorithms developed to predict the effect of missense changes on protein structure and function (SIFT, PolyPhen-2, Align-GVGD) all suggest that this variant is likely to be tolerated. In summary, the available evidence is currently insufficient to determine the role of this variant in disease. Therefore, it has been classified as a Variant of Uncertain Significance.

NM_000787.4(DBH):c.638C>T (p.Thr213Ile)

Gene: DBH (dopamine beta-hydroxylase; plus strand). Cytogenetic location: 9q34.2.
Variant type: single nucleotide variant.
Coding change: c.638C>T on transcript NM_000787.4 (MANE Select); coding-DNA position 638, C replaced by T.
Protein change: p.Thr213Ile; replaces threonine 213 with isoleucine.
Molecular consequence: missense variant.
Genome position (GRCh38, 1-based): chr9:133,642,358, C>T. VCF-style: chr9-133642358-C-T. GRCh37 (hg19) VCF-style: chr9-136507480-C-T.
Other names: short protein forms T213I.
Identifiers: ClinVar variation 1469493 (VCV001469493.3), dbSNP rs769469848, ClinGen allele CA5313148.